The following is an entry in ClinVar:

ClinVar aggregate classification (germline): Uncertain significance (1 of 4 stars; one submission).

Submission:

GeneDx
Classification: Uncertain significance. Last evaluated: 2019-09-30. Review status: criteria provided, single submitter. Criteria: GeneDx Variant Classification Process June 2021. Collection method: clinical testing. Allele origin: germline. Affected: yes.
Comment: Not observed in large population cohorts (Lek et al., 2016); The majority of missense variants in this gene are considered pathogenic (Stenson et al., 2014); In silico analysis, which includes protein predictors and evolutionary conservation, supports a deleterious effect; Has not been previously published as pathogenic or benign to our knowledge

NM_030662.4(MAP2K2):c.974T>C (p.Ile325Thr)

Gene: MAP2K2 (mitogen-activated protein kinase kinase 2; minus strand). Cytogenetic location: 19p13.3.
Variant type: single nucleotide variant.
Coding change: c.974T>C on transcript NM_030662.4 (MANE Select); coding-DNA position 974, T replaced by C.
Protein change: p.Ile325Thr; replaces isoleucine 325 with threonine.
Molecular consequence: missense variant.
Genome position (GRCh38, 1-based): chr19:4,097,289, A>G on the plus strand (T>C on the coding strand, the complement: MAP2K2 is on the minus strand). VCF-style: chr19-4097289-A-G. GRCh37 (hg19) VCF-style: chr19-4097287-A-G.
Other names: short protein forms I325T.
Identifiers: ClinVar variation 1188050 (VCV001188050.2), dbSNP rs2145046473, ClinGen allele CA403383855.